The following is an entry in ClinVar:

NM_001042492.3(NF1):c.1363_1364delinsAA (p.Gly455Lys)

Gene: NF1 (neurofibromin 1; plus strand). Cytogenetic location: 17q11.2.
Variant type: Indel.
Coding change: c.1363_1364delinsAA on transcript NM_001042492.3 (MANE Select); coding-DNA positions 1363 to 1364, GG replaced by AA.
Protein change: p.Gly455Lys; replaces glycine 455 with lysine.
Molecular consequence: missense variant.
Genome position (GRCh38, 1-based): chr17:31,206,342-31,206,343, GG replaced by AA. VCF-style: chr17-31206342-GG-AA. GRCh37 (hg19) VCF-style: chr17-29533360-GG-AA.
Other names: c.1363_1364delGGinsAA, p.Gly455Lys (NM_000267.4); c.1363_1364delinsAA, p.Gly455Lys (NM_001128147.3); short protein forms G455K.
Identifiers: ClinVar variation 2848007 (VCV002848007.3), dbSNP rs2544811339, ClinGen allele CA2739267349.

ClinVar aggregate classification (germline): Uncertain significance (1 of 4 stars; one submission).

Conditions:
Neurofibromatosis, type 1 (NF1). Also called: VON RECKLINGHAUSEN DISEASE; Neurofibromatosis, type I; Peripheral type neurofibromatosis; NEUROFIBROMATOSIS, TYPE I, SOMATIC. Identifiers: Orphanet 636, MedGen C0027831, MONDO:0018975, OMIM 162200. Disease mechanism: loss of function.

Submission:

Labcorp Genetics (formerly Invitae), Labcorp
Classification: Uncertain significance for Neurofibromatosis, type 1. Last evaluated: 2023-03-21. Review status: criteria provided, single submitter. Criteria: Invitae Variant Classification Sherloc (09022015). Collection method: clinical testing. Allele origin: germline.
Comment: This sequence change replaces glycine, which is neutral and non-polar, with lysine, which is basic and polar, at codon 455 of the NF1 protein (p.Gly455Lys). Information on the frequency of this variant in the gnomAD database is not available, as this variant may be reported differently in the database. This variant has not been reported in the literature in individuals affected with NF1-related conditions. An algorithm developed to predict the effect of missense changes on protein structure and function (PolyPhen-2) suggests that this variant is likely to be disruptive. In summary, the available evidence is currently insufficient to determine the role of this variant in disease. Therefore, it has been classified as a Variant of Uncertain Significance.